The following is an entry in ClinVar:

ClinVar aggregate classification (germline): Pathogenic (1 of 4 stars; one submission).

Submission:

Labcorp Genetics (formerly Invitae), Labcorp
Classification: Pathogenic. Last evaluated: 2023-11-27. Review status: criteria provided, single submitter. Criteria: Invitae Variant Classification Sherloc (09022015). Collection method: clinical testing. Allele origin: germline.
Comment: A gross deletion of the genomic region encompassing the full coding sequence of the CWC27 gene has been identified. Loss-of-function variants in CWC27 are known to be pathogenic (PMID: 28285769). The boundaries of this event are unknown as they extend beyond the assayed region for this gene and therefore may encompass additional genes. This variant has not been reported in the literature in individuals affected with CWC27-related conditions. For these reasons, this variant has been classified as Pathogenic.

Literature cited by the submitters: PubMed 28285769.

NC_000005.9:g.(?_63256278)_(65374358_?)del

Genes: ADAMTS6 (ADAM metallopeptidase with thrombospondin type 1 motif 6; minus strand), CENPK (centromere protein K; minus strand), CWC27 (CWC27 spliceosome associated cyclophilin; plus strand), ERBIN (erbb2 interacting protein; plus strand), HTR1A (5-hydroxytryptamine receptor 1A; minus strand) and 9 more. Cytogenetic location: 5q12.3.
Variant type: Deletion.
Identifiers: ClinVar variation 1456117 (VCV001456117.2).